The following is an entry in ClinVar:

NM_002691.4(POLD1):c.511G>T (p.Ala171Ser)

Gene: POLD1 (DNA polymerase delta 1, catalytic subunit; plus strand). Cytogenetic location: 19q13.33.
Variant type: single nucleotide variant.
Coding change: c.511G>T on transcript NM_002691.4 (MANE Select); coding-DNA position 511, G replaced by T.
Protein change: p.Ala171Ser; replaces alanine 171 with serine.
Molecular consequence: missense variant. On other transcripts: non-coding transcript variant (1).
Genome position (GRCh38, 1-based): chr19:50,402,046, G>T. VCF-style: chr19-50402046-G-T. GRCh37 (hg19) VCF-style: chr19-50905303-G-T.
Other names: c.511G>T, p.Ala171Ser (NM_001256849.1, NM_001308632.1); c.511G>T (NM_002691.2); short protein forms A171S.
Identifiers: ClinVar variation 407963 (VCV000407963.19), dbSNP rs748486492, ClinGen allele CA9595767.

ClinVar aggregate classification (germline): Likely benign. Review status: criteria provided, multiple submitters, no conflicts (2 of 4 stars). 3 submissions from 3 submitters: Likely benign (3). Last evaluated 2025-12-14.

Conditions:
Familial colorectal cancer. Identifiers: MedGen CN280943, MONDO:0023113. Disease mechanism: loss of function.
Mandibular hypoplasia-deafness-progeroid syndrome. Also called: Mandibular hypoplasia, deafness, progeroid features, and lipodystrophy syndrome. Identifiers: Orphanet 363649, MedGen C3715192, MONDO:0014157, OMIM 615381.
POLD1-related polyposis and colorectal cancer syndrome (CRCS10). Also called: Colorectal cancer, susceptibility to, 10; Colorectal cancer 10; COLORECTAL CANCER, SUSCEPTIBILITY TO, ON CHROMOSOME 19q. Identifiers: Orphanet 220460, MedGen C2675481, MONDO:0012953, OMIM 612591.
Hereditary cancer-predisposing syndrome. Also called: Neoplastic Syndromes, Hereditary; Hereditary neoplastic syndrome; Hereditary Cancer Syndrome; Tumor predisposition. Identifiers: Orphanet 140162, MedGen C0027672, MeSH D009386, MONDO:0015356.

Allele frequency attached by ClinVar (database versions not stated): TOPMed 0.00001; gnomAD exomes 0.00004 and 0.00006; ExAC 0.00005.
gnomAD v4.1: 56 of 1,613,944 alleles (0.0035%); highest among the groups gnomAD compares: East Asian, 0.12%; no homozygotes.

Submissions (3):

Labcorp Genetics (formerly Invitae), Labcorp
Classification: Likely benign for POLD1-related polyposis and colorectal cancer syndrome. Last evaluated: 2025-12-14. Review status: criteria provided, single submitter. Criteria: Invitae Variant Classification Sherloc (09022015). Collection method: clinical testing. Allele origin: germline.

Ambry Genetics
Classification: Likely benign for Hereditary cancer-predisposing syndrome. Last evaluated: 2022-12-03. Review status: criteria provided, single submitter. Criteria: Ambry Variant Classification Scheme 2023. Collection method: clinical testing. Allele origin: germline.

Women's Health and Genetics/Laboratory Corporation of America, LabCorp
Classification: Likely benign. Last evaluated: 2021-04-03. Review status: criteria provided, single submitter. Criteria: LabCorp Variant Classification Summary - May 2015. Collection method: clinical testing. Allele origin: germline.
Comment: Variant summary: POLD1 c.511G>T (p.Ala171Ser) results in a conservative amino acid change in the encoded protein sequence. Four of five in-silico tools predict a benign effect of the variant on protein function. The variant allele was found at a frequency of 6e-05 in 251072 control chromosomes. The observed variant frequency is approximately 4.2 fold of the estimated maximal expected allele frequency for a pathogenic variant in POLD1 causing Colorectal Cancer phenotype (1.4e-05), strongly suggesting that the variant is benign. To our knowledge, no occurrence of c.511G>T in individuals affected with Colorectal Cancer and no experimental evidence demonstrating its impact on protein function have been reported. One clinical diagnostic laboratory has submitted clinical-significance assessments for this variant to ClinVar after 2014 without evidence for independent evaluation and classified the variant as likely benign. Based on the evidence outlined above, the variant was classified as likely benign.